The following is an entry in ClinVar:

ClinVar aggregate classification (germline): Pathogenic/Likely pathogenic. Review status: criteria provided, multiple submitters, no conflicts (2 of 4 stars). 5 submissions from 5 submitters: Pathogenic (1); Likely pathogenic (2). 2 of the submissions do not count toward it. Last evaluated 2024-03-16.

Conditions:
RP2-related disorder. Also called: RP2-related condition.
X-linked retinitis pigmentosa. Identifiers: MedGen C0339528.
Retinitis pigmentosa (RP). Identifiers: Orphanet 791, MedGen C0035334, MeSH D012174, MONDO:0019200, OMIM 268000. Inheritance: Autosomal dominant, autosomal recessive and X linked inheritance.

Submissions (5):

Labcorp Genetics (formerly Invitae), Labcorp
Classification: Pathogenic. Last evaluated: 2024-03-16. Review status: criteria provided, single submitter. Criteria: Invitae Variant Classification Sherloc (09022015). Collection method: clinical testing. Allele origin: germline.
Comment: This sequence change affects the initiator methionine of the RP2 mRNA. The next in-frame methionine is located at codon 41. This variant is not present in population databases (gnomAD no frequency). Disruption of the initiator codon has been observed in individuals with retinitis pigmentosa (PMID: 26355662, 29847639). ClinVar contains an entry for this variant (Variation ID: 191246). This variant disrupts a region of the RP2 protein in which other variant(s) (p.Ser6del) have been determined to be pathogenic (PMID: 9697692, 10942419, 17724181, 28209709; Invitae). This suggests that this is a clinically significant region of the protein, and that variants that disrupt it are likely to be disease-causing. For these reasons, this variant has been classified as Pathogenic.

Blueprint Genetics
Classification: Likely pathogenic for RP2-related disorders. Last evaluated: 2017-06-22. Review status: criteria provided, single submitter. Criteria: ACMG Guidelines, 2015. Collection method: clinical testing. Allele origin: germline. Affected: yes. Observed: 1 variant allele.

Genomic Medicine Center of Excellence, King Faisal Specialist Hospital and Research Centre
Classification: Likely pathogenic. Review status: criteria provided, single submitter. Criteria: ACMG Guidelines, 2015. Collection method: research. Allele origin: germline. Affected: yes.

Sharon lab, Hadassah-Hebrew University Medical Center
Classification: Pathogenic for Retinitis pigmentosa. Last evaluated: 2019-06-23. Review status: no assertion criteria provided. Collection method: research. Allele origin: inherited. Affected: yes. Not counted in ClinVar's aggregate classification.

Faculty of Health Sciences, Beirut Arab University
Classification: Pathogenic for X-linked retinitis pigmentosa. Last evaluated: 2015-09-10. Review status: no assertion criteria provided. Collection method: literature only. Allele origin: germline. Affected: yes. Observed: 1 variant allele. Not counted in ClinVar's aggregate classification.

Literature cited by the submitters: PubMed 26355662 (cited by Labcorp Genetics (formerly Invitae), Labcorp and Faculty of Health Sciences, Beirut Arab University); PubMed 29847639 (cited by Labcorp Genetics (formerly Invitae), Labcorp); PubMed 9697692 (cited by Labcorp Genetics (formerly Invitae), Labcorp); PubMed 10942419 (cited by Labcorp Genetics (formerly Invitae), Labcorp); PubMed 17724181 (cited by Labcorp Genetics (formerly Invitae), Labcorp); PubMed 28209709 (cited by Labcorp Genetics (formerly Invitae), Labcorp).

NM_006915.3(RP2):c.2T>C (p.Met1Thr)

Genes: RP2 (RP2 activator of ARL3 GTPase; plus strand), LOC130068202 (ATAC-STARR-seq lymphoblastoid active region 29577; plus strand). Cytogenetic location: Xp11.3.
Variant type: single nucleotide variant.
Coding change: c.2T>C on transcript NM_006915.3 (MANE Select); coding-DNA position 2, T replaced by C.
Protein change: p.Met1Thr; changes the start codon (methionine 1).
Molecular consequence: missense variant, initiator codon variant.
Genome position (GRCh38, 1-based): chrX:46,837,102, T>C. VCF-style: chrX-46837102-T-C. GRCh37 (hg19) VCF-style: chrX-46696537-T-C.
Other names: short protein forms M1T.
Identifiers: ClinVar variation 191246 (VCV000191246.11), dbSNP rs797044561, ClinGen allele CA236346.